The following is an entry in ClinVar:

ClinVar aggregate classification (germline): Likely benign. Review status: criteria provided, multiple submitters, no conflicts (2 of 4 stars). 2 submissions from 2 submitters: Likely benign (2). Last evaluated 2022-03-05.

Conditions:
Oligodontia-cancer predisposition syndrome. Also called: TOOTH AGENESIS-COLORECTAL CANCER SYNDROME. Identifiers: Orphanet 300576, MedGen C1837750, MONDO:0012075, OMIM 608615. Disease mechanism: loss of function.

Submissions (2):

Labcorp Genetics (formerly Invitae), Labcorp
Classification: Likely benign for Oligodontia-cancer predisposition syndrome. Last evaluated: 2022-03-05. Review status: criteria provided, single submitter. Criteria: Invitae Variant Classification Sherloc (09022015). Collection method: clinical testing. Allele origin: germline.

GeneDx
Classification: Likely benign. Last evaluated: 2016-05-02. Review status: criteria provided, single submitter. Criteria: GeneDx Variant Classification (06012015). Collection method: clinical testing. Allele origin: germline. Affected: yes.
Comment: This variant is considered likely benign or benign based on one or more of the following criteria: it is a conservative change, it occurs at a poorly conserved position in the protein, it is predicted to be benign by multiple in silico algorithms, and/or has population frequency not consistent with disease.

NM_004655.4(AXIN2):c.204G>C (p.Arg68=)

Gene: AXIN2 (axin 2; minus strand). Cytogenetic location: 17q24.1.
Variant type: single nucleotide variant.
Coding change: c.204G>C on transcript NM_004655.4 (MANE Select); coding-DNA position 204, G replaced by C.
Protein change: p.Arg68=; no amino-acid change (arginine 68 retained).
Molecular consequence: synonymous variant.
Genome position (GRCh38, 1-based): chr17:65,558,417, C>G on the plus strand (G>C on the coding strand, the complement: AXIN2 is on the minus strand). VCF-style: chr17-65558417-C-G. GRCh37 (hg19) VCF-style: chr17-63554535-C-G.
Other names: c.204G>C (LRG_296t1); c.204G>C, p.Arg68= (NM_001363813.1).
Identifiers: ClinVar variation 385885 (VCV000385885.8), dbSNP rs1057522356, ClinGen allele CA16607836.